The following is an entry in ClinVar:

ClinVar aggregate classification (germline): Conflicting classifications of pathogenicity. Review status: criteria provided, conflicting classifications (1 of 4 stars). 4 submissions from 4 submitters: Uncertain significance (3); Likely benign (1). Last evaluated 2025-10-13.

Conditions:
RAI1-related disorder. Also called: RAI1-related condition.

Allele frequency attached by ClinVar (database versions not stated): gnomAD exomes below 0.00001; gnomAD 0.00001; TOPMed 0.00002.
gnomAD v4.1: 6 of 1,613,196 alleles (0.00037%); highest among the groups gnomAD compares: African/African-American, 0.0027%; no homozygotes.

Submissions (4):

PreventionGenetics, part of Exact Sciences
Classification: Uncertain significance for RAI1-related condition. Last evaluated: 2025-10-13. Review status: criteria provided, single submitter. Criteria: ACMG Guidelines, 2015. Collection method: clinical testing. Allele origin: germline.
Comment: The RAI1 c.469T>C variant is predicted to result in the amino acid substitution p.Tyr157His. To our knowledge, this variant has not been reported in the literature or in a large population database (gnomAD), indicating this variant is rare. Although we suspect that this variant may be benign, at this time, the clinical significance of this variant is uncertain due to the absence of conclusive functional and genetic evidence.

CeGaT Center for Human Genetics Tuebingen
Classification: Uncertain significance. Last evaluated: 2024-12-01. Review status: criteria provided, single submitter. Criteria: CeGaT Center For Human Genetics Tuebingen Variant Classification Criteria Version 2. Collection method: clinical testing. Allele origin: germline. Affected: yes. Observed: 1 variant allele.

Labcorp Genetics (formerly Invitae), Labcorp
Classification: Likely benign. Last evaluated: 2023-10-13. Review status: criteria provided, single submitter. Criteria: Invitae Variant Classification Sherloc (09022015). Collection method: clinical testing. Allele origin: germline.

GeneDx
Classification: Uncertain significance. Last evaluated: 2021-04-13. Review status: criteria provided, single submitter. Criteria: GeneDx Variant Classification Process June 2021. Collection method: clinical testing. Allele origin: germline. Affected: yes.
Comment: Not observed in large population cohorts (Lek et al., 2016); In silico analysis supports that this missense variant has a deleterious effect on protein structure/function; Has not been previously published as pathogenic or benign to our knowledge

NM_030665.4(RAI1):c.469T>C (p.Tyr157His)

Gene: RAI1 (retinoic acid induced 1; plus strand). Cytogenetic location: 17p11.2.
Variant type: single nucleotide variant.
Coding change: c.469T>C on transcript NM_030665.4 (MANE Select); coding-DNA position 469, T replaced by C.
Protein change: p.Tyr157His; replaces tyrosine 157 with histidine.
Molecular consequence: missense variant.
Genome position (GRCh38, 1-based): chr17:17,793,417, T>C. VCF-style: chr17-17793417-T-C. GRCh37 (hg19) VCF-style: chr17-17696731-T-C.
Other names: short protein forms Y157H.
Identifiers: ClinVar variation 1314656 (VCV001314656.24), dbSNP rs1289033749, ClinGen allele CA398545530.